The following is an entry in ClinVar:

NM_001510.4(GRID2):c.1795T>A (p.Ser599Thr)

Gene: GRID2 (glutamate ionotropic receptor delta type subunit 2; plus strand). Cytogenetic location: 4q22.2.
Variant type: single nucleotide variant.
Coding change: c.1795T>A on transcript NM_001510.4 (MANE Select); coding-DNA position 1795, T replaced by A.
Protein change: p.Ser599Thr; replaces serine 599 with threonine.
Molecular consequence: missense variant.
Genome position (GRCh38, 1-based): chr4:93,455,911, T>A. VCF-style: chr4-93455911-T-A. GRCh37 (hg19) VCF-style: chr4-94377062-T-A.
Other names: c.1510T>A, p.Ser504Thr (NM_001286838.1); c.1795T>A, p.Ser599Thr (NM_001440459.1); short protein forms S504T, S599T.
Identifiers: ClinVar variation 4811667 (VCV004811667.1).

ClinVar aggregate classification (germline): Uncertain significance (1 of 4 stars; one submission).

gnomAD v4.1: 2 of 1,611,628 alleles (0.00012%); highest among the groups gnomAD compares: South Asian, 0.0022%; no homozygotes.

Submission:

Labcorp Genetics (formerly Invitae), Labcorp
Classification: Uncertain significance. Last evaluated: 2025-03-12. Review status: criteria provided, single submitter. Criteria: Invitae Variant Classification Sherloc (09022015). Collection method: clinical testing. Allele origin: germline.
Comment: This sequence change replaces serine, which is neutral and polar, with threonine, which is neutral and polar, at codon 599 of the GRID2 protein (p.Ser599Thr). This variant is present in population databases (rs756530763, gnomAD 0.003%). This variant has not been reported in the literature in individuals affected with GRID2-related conditions. Invitae Evidence Modeling of protein sequence and biophysical properties (such as structural, functional, and spatial information, amino acid conservation, physicochemical variation, residue mobility, and thermodynamic stability) indicates that this missense variant is not expected to disrupt GRID2 protein function with a negative predictive value of 80%. In summary, the available evidence is currently insufficient to determine the role of this variant in disease. Therefore, it has been classified as a Variant of Uncertain Significance.